The following is an entry in ClinVar:

NM_001040142.2(SCN2A):c.5060G>A (p.Arg1687Lys)

Gene: SCN2A (sodium voltage-gated channel alpha subunit 2; plus strand). Cytogenetic location: 2q24.3.
Variant type: single nucleotide variant.
Coding change: c.5060G>A on transcript NM_001040142.2 (MANE Select); coding-DNA position 5060, G replaced by A.
Protein change: p.Arg1687Lys; replaces arginine 1687 with lysine.
Molecular consequence: missense variant.
Genome position (GRCh38, 1-based): chr2:165,388,866, G>A. VCF-style: chr2-165388866-G-A. GRCh37 (hg19) VCF-style: chr2-166245376-G-A.
Other names: c.5060G>A, p.Arg1687Lys (NM_001040143.2, NM_001371246.1, NM_001371247.1 and 1 more transcripts); c.5060G>A (NM_021007.2); short protein forms R1687K.
Identifiers: ClinVar variation 1476393 (VCV001476393.9), dbSNP rs2105402498, ClinGen allele CA349038101.

ClinVar aggregate classification (germline): Uncertain significance. Review status: criteria provided, multiple submitters, no conflicts (2 of 4 stars). 2 submissions from 2 submitters: Uncertain significance (2). Last evaluated 2025-10-01.

Conditions:
Developmental and epileptic encephalopathy, 11 (DEE11). Also called: Early infantile epileptic encephalopathy 11. Identifiers: Orphanet 1934, MedGen C3150987, MONDO:0013388, OMIM 613721.
Seizures, benign familial infantile, 3 (BFIS3). Also called: Familial neonatal seizures; CONVULSIONS, BENIGN FAMILIAL INFANTILE, 3. Identifiers: Orphanet 140927, Orphanet 306, MedGen C1843140, MONDO:0011904, OMIM 607745.

Submissions (2):

Labcorp Genetics (formerly Invitae), Labcorp
Classification: Uncertain significance for Seizures, benign familial infantile, 3; Developmental and epileptic encephalopathy, 11. Last evaluated: 2025-10-01. Review status: criteria provided, single submitter. Criteria: Invitae Variant Classification Sherloc (09022015). Collection method: clinical testing. Allele origin: germline.
Comment: This sequence change replaces arginine, which is basic and polar, with lysine, which is basic and polar, at codon 1687 of the SCN2A protein (p.Arg1687Lys). This variant is not present in population databases (gnomAD no frequency). This variant has not been reported in the literature in individuals affected with SCN2A-related conditions. ClinVar contains an entry for this variant (Variation ID: 1476393). Invitae Evidence Modeling of protein sequence and biophysical properties (such as structural, functional, and spatial information, amino acid conservation, physicochemical variation, residue mobility, and thermodynamic stability) indicates that this missense variant is not expected to disrupt SCN2A protein function with a negative predictive value of 95%. In summary, the available evidence is currently insufficient to determine the role of this variant in disease. Therefore, it has been classified as a Variant of Uncertain Significance.

GeneDx
Classification: Uncertain significance. Last evaluated: 2024-02-09. Review status: criteria provided, single submitter. Criteria: GeneDx Variant Classification Process June 2021. Collection method: clinical testing. Allele origin: germline. Affected: yes.
Comment: Not observed at significant frequency in large population cohorts (gnomAD); In silico analysis supports that this missense variant does not alter protein structure/function; Substitution is within the extracellular loop between the S5 and S6 transmembrane segments of the fourth homologous domain.; Has not been previously published as pathogenic or benign to our knowledge